The following is an entry in ClinVar:

ClinVar aggregate classification (germline): Uncertain significance (1 of 4 stars; one submission).

Conditions:
Fanconi anemia (FA). Also called: Fanconi's anemia. Identifiers: Orphanet 84, MedGen C0015625, MeSH D005199, MONDO:0019391.

Allele frequency attached by ClinVar (database versions not stated): TOPMed below 0.00001.

Submission:

Labcorp Genetics (formerly Invitae), Labcorp
Classification: Uncertain significance for Fanconi anemia. Last evaluated: 2024-03-16. Review status: criteria provided, single submitter. Criteria: Invitae Variant Classification Sherloc (09022015). Collection method: clinical testing. Allele origin: germline.
Comment: This sequence change replaces lysine, which is basic and polar, with asparagine, which is neutral and polar, at codon 179 of the FANCF protein (p.Lys179Asn). This variant is not present in population databases (gnomAD no frequency). This variant has not been reported in the literature in individuals affected with FANCF-related conditions. Advanced modeling of protein sequence and biophysical properties (such as structural, functional, and spatial information, amino acid conservation, physicochemical variation, residue mobility, and thermodynamic stability) performed at Invitae indicates that this missense variant is not expected to disrupt FANCF protein function with a negative predictive value of 80%. In summary, the available evidence is currently insufficient to determine the role of this variant in disease. Therefore, it has been classified as a Variant of Uncertain Significance.

NM_022725.4(FANCF):c.537G>C (p.Lys179Asn)

Gene: FANCF (FA complementation group F; minus strand). Cytogenetic location: 11p14.3.
Variant type: single nucleotide variant.
Coding change: c.537G>C on transcript NM_022725.4 (MANE Select); coding-DNA position 537, G replaced by C.
Protein change: p.Lys179Asn; replaces lysine 179 with asparagine.
Molecular consequence: missense variant.
Genome position (GRCh38, 1-based): chr11:22,625,274, C>G on the plus strand (G>C on the coding strand, the complement: FANCF is on the minus strand). VCF-style: chr11-22625274-C-G. GRCh37 (hg19) VCF-style: chr11-22646820-C-G.
Other names: short protein forms K179N.
Identifiers: ClinVar variation 2998853 (VCV002998853.3), dbSNP rs772589448, ClinGen allele CA380058842.